The following is an entry in ClinVar:

ClinVar aggregate classification (germline): Pathogenic (1 of 4 stars; one submission).

Conditions:
Joubert syndrome and related disorders. Identifiers: Orphanet 140874, MedGen C5679612, MONDO:0015369.

Submission:

Myriad Genetics, Inc.
Classification: Pathogenic for Joubert syndrome and related disorders. Last evaluated: 2025-11-19. Review status: criteria provided, single submitter. Criteria: Myriad Autosomal Dominant, Autosomal Recessive and X-Linked Classification Criteria (2023). Collection method: clinical testing. Allele origin: unknown.
Comment: NM_001080522.2(CC2D2A):c.4456C>T(Q1486*) is expected to be pathogenic in the context of CC2D2A-related disorders. This variant is predicted to lead to an abnormal or absent protein product due to the creation of a premature termination codon in CC2D2A, a gene where loss-of-function variants are known to be pathogenic. Please note: this variant was assessed in the context of healthy population screening.

NM_001378615.1(CC2D2A):c.4456C>T (p.Gln1486Ter)

Genes: CC2D2A (coiled-coil and C2 domain containing 2A; plus strand), FBXL5 (F-box and leucine rich repeat protein 5; minus strand). Cytogenetic location: 4p15.32.
Variant type: single nucleotide variant.
Coding change: c.4456C>T on transcript NM_001378615.1 (MANE Select); coding-DNA position 4456, C replaced by T.
Protein change: p.Gln1486Ter; replaces glutamine 1486 with a stop codon.
Molecular consequence: nonsense.
Genome position (GRCh38, 1-based): chr4:15,597,425, C>T. VCF-style: chr4-15597425-C-T. GRCh37 (hg19) VCF-style: chr4-15599048-C-T.
Other names: c.4456C>T, p.Gln1486Ter (NM_001080522.2); c.4309C>T, p.Gln1437Ter (NM_001378617.1); short protein forms Q1437*, Q1486*.
Identifiers: ClinVar variation 5015238 (VCV005015238.1).